The following is an entry in ClinVar:

ClinVar aggregate classification (germline): Likely pathogenic (1 of 4 stars; one submission).

Conditions:
Charcot-Marie-Tooth disease type 1B. Also called: CHARCOT-MARIE-TOOTH DISEASE, AUTOSOMAL DOMINANT, WITH FOCALLY FOLDED MYELIN SHEATHS, TYPE 1B; CHARCOT-MARIE-TOOTH DISEASE, SLOW NERVE CONDUCTION TYPE, LINKED TO DUFFY; CHARCOT-MARIE-TOOTH NEUROPATHY, TYPE 1B; HEREDITARY MOTOR AND SENSORY NEUROPATHY I; HEREDITARY MOTOR AND SENSORY NEUROPATHY IB; Charcot-Marie-Tooth disease, demyelinating, type 1b. Identifiers: Orphanet 101082, MedGen C0270912, MONDO:0007307, OMIM 118200.

Submission:

Lupski Lab, Baylor-Hopkins CMG, Baylor College of Medicine
Classification: Likely pathogenic for Charcot-Marie-Tooth disease type 1B. Last evaluated: 2015-09-17. Review status: criteria provided, single submitter. Criteria: Pehlivan et al. (Genet Med. 2016). Collection method: research. Allele origin: germline. Inheritance: Autosomal dominant inheritance. Affected: yes.
Comment: There is a report in the literature of MPZ duplication in an individual with peripheral neuropathy (PMID:21787890).

Literature cited by the submitters: PubMed 21787890.

NC_000001.11:g.161305808_161309983dup

Gene: MPZ (myelin protein zero; minus strand). Cytogenetic location: 1q23.3.
Variant type: Duplication.
Genome position: GRCh38: chr1:161,305,808-161,309,983. GRCh37 (hg19): chr1:161,275,598-161,279,773.
Identifiers: ClinVar variation 243058 (VCV000243058.2), ClinGen allele CA10584071.